The following is an entry in ClinVar:

NM_002241.5(KCNJ10):c.572A>G (p.Asn191Ser)

Gene: KCNJ10 (potassium inwardly rectifying channel subfamily J member 10; minus strand). Cytogenetic location: 1q23.2.
Variant type: single nucleotide variant.
Coding change: c.572A>G on transcript NM_002241.5 (MANE Select); coding-DNA position 572, A replaced by G.
Protein change: p.Asn191Ser; replaces asparagine 191 with serine.
Molecular consequence: missense variant.
Genome position (GRCh38, 1-based): chr1:160,041,961, T>C on the plus strand (A>G on the coding strand, the complement: KCNJ10 is on the minus strand). VCF-style: chr1-160041961-T-C. GRCh37 (hg19) VCF-style: chr1-160011751-T-C.
Other names: c.572A>G (NM_002241.4); short protein forms N191S.
Identifiers: ClinVar variation 2007697 (VCV002007697.5), dbSNP rs2525430039, ClinGen allele CA343226400.
Genomic context (GRCh38, chr1:160,041,961, plus strand): 5'-CAGCCAATGAGGAGGCTTTTGCGCATATTGGCAACTCGGATCATGAGGCAGGGCTTGCCA[T>C]TGTGGGAGGCCACAACTGCATGCTGGCTGAAACGAATGGTCTCAGCCCGCTTCTTGGGCC-3'
Protein context (NP_002232.2, residues 181-201): FSQHAVVASH[Asn191Ser]GKPCLMIRVA

ClinVar aggregate classification (germline): Uncertain significance. Review status: criteria provided, multiple submitters, no conflicts (2 of 4 stars). 2 submissions from 2 submitters: Uncertain significance (2). Last evaluated 2024-03-08.

Conditions:
Inborn genetic diseases. Identifiers: MedGen C0950123, MeSH D030342.
EAST syndrome (SESAMES). Also called: SEIZURES, SENSORINEURAL DEAFNESS, ATAXIA, IMPAIRED INTELLECTUAL DEVELOPMENT, AND ELECTROLYTE IMBALANCE. Identifiers: Orphanet 199343, MedGen C2748572, MONDO:0013005, OMIM 612780.

gnomAD v4.1: 1 of 1,606,426 alleles (0.000062%); highest among the groups gnomAD compares: Non-Finnish European, 0.000085%; no homozygotes.

Submissions (2):

Ambry Genetics
Classification: Uncertain significance for Inborn genetic diseases. Last evaluated: 2024-03-08. Review status: criteria provided, single submitter. Criteria: Ambry Variant Classification Scheme 2023. Collection method: clinical testing. Allele origin: germline.

Labcorp Genetics (formerly Invitae), Labcorp
Classification: Uncertain significance for EAST syndrome. Last evaluated: 2022-06-17. Review status: criteria provided, single submitter. Criteria: Invitae Variant Classification Sherloc (09022015). Collection method: clinical testing. Allele origin: germline.
Comment: This sequence change replaces asparagine, which is neutral and polar, with serine, which is neutral and polar, at codon 191 of the KCNJ10 protein (p.Asn191Ser). This variant is not present in population databases (gnomAD no frequency). This variant has not been reported in the literature in individuals affected with KCNJ10-related conditions. Algorithms developed to predict the effect of missense changes on protein structure and function (SIFT, PolyPhen-2, Align-GVGD) all suggest that this variant is likely to be tolerated. In summary, the available evidence is currently insufficient to determine the role of this variant in disease. Therefore, it has been classified as a Variant of Uncertain Significance.